The following is an entry in ClinVar:

ClinVar aggregate classification (germline): Pathogenic. Review status: criteria provided, multiple submitters, no conflicts (2 of 4 stars). 17 submissions from 15 submitters: Pathogenic (10). 7 of the submissions do not count toward it. Last evaluated 2025-12-13.

Conditions:
Developmental and epileptic encephalopathy, 52 (DEE52). Also called: Epileptic encephalopathy, early infantile, 52. Identifiers: MedGen C4479236, MONDO:0033361, OMIM 617350.
Spinocerebellar ataxia type 6 (SCA6). Identifiers: Orphanet 98758, MedGen C0752124, MONDO:0008457, OMIM 183086.
Episodic ataxia type 2 (EA2). Also called: CEREBELLAR ATAXIA, PAROXYSMAL, ACETAZOLAMIDE-RESPONSIVE; CEREBELLOPATHY, HEREDITARY PAROXYSMAL; EPISODIC ATAXIA, NYSTAGMUS-ASSOCIATED; ACETAZOLAMIDE-RESPONSIVE HEREDITARY PAROXYSMAL CEREBELLAR ATAXIA; ATAXIA, EPISODIC, WITH NYSTAGMUS; ATAXIA, FAMILIAL PAROXYSMAL. Identifiers: Orphanet 97, MedGen C1720416, MONDO:0007163, OMIM 108500.
Migraine, familial hemiplegic, 1. Also called: MIGRAINE, FAMILIAL HEMIPLEGIC 1, WITH PROGRESSIVE CEREBELLAR ATAXIA. Identifiers: Orphanet 569, MedGen C1832884, MONDO:0020756, OMIM 141500, MONDO:0007714.
CACNA1A-related disorder. Also called: CACNA1A-related condition.
Developmental and epileptic encephalopathy, 42 (DEE42A). Also called: DEVELOPMENTAL AND EPILEPTIC ENCEPHALOPATHY 42A; EPILEPTIC ENCEPHALOPATHY, EARLY INFANTILE, 42A; Epileptic encephalopathy, early infantile, 42. Identifiers: MedGen C4310716, MONDO:0014917, OMIM 617106.
Familial hemiplegic migraine. Identifiers: MedGen C0338484, MONDO:0000700.
Sporadic hemiplegic migraine. Identifiers: MedGen C1832903, MONDO:0020757.

Allele frequency attached by ClinVar (database versions not stated): gnomAD exomes below 0.00001.
gnomAD v4.1: 2 of 1,613,390 alleles (0.00012%); highest among the groups gnomAD compares: Non-Finnish European, 0.00017%; no homozygotes.

Submissions (17):

Labcorp Genetics (formerly Invitae), Labcorp
Classification: Pathogenic for Developmental and epileptic encephalopathy, 42; Episodic ataxia type 2. Last evaluated: 2025-12-13. Review status: criteria provided, single submitter. Criteria: Invitae Variant Classification Sherloc (09022015). Collection method: clinical testing. Allele origin: germline.
Comment: This sequence change replaces arginine, which is basic and polar, with glutamine, which is neutral and polar, at codon 583 of the CACNA1A protein (p.Arg583Gln). This variant is present in population databases (rs121908217, gnomAD 0.0009%). This missense change has been observed in individuals with CACNA1A-related conditions (PMID: 12707077, 20837964, 24498617, 26814174). It has also been observed to segregate with disease in related individuals. ClinVar contains an entry for this variant (Variation ID: 8505). Invitae Evidence Modeling of protein sequence and biophysical properties (such as structural, functional, and spatial information, amino acid conservation, physicochemical variation, residue mobility, and thermodynamic stability) indicates that this missense variant is expected to disrupt CACNA1A protein function with a positive predictive value of 95%. Experimental studies have shown that this missense change affects CACNA1A function (PMID: 10734061). For these reasons, this variant has been classified as Pathogenic.

GeneDx
Classification: Pathogenic. Last evaluated: 2025-07-30. Review status: criteria provided, single submitter. Criteria: GeneDx Variant Classification Process June 2021. Collection method: clinical testing. Allele origin: germline.
Comment: Published functional studies show that the R583Q variant affects the voltage-gated calcium ion channel (PMID: 10734061); Not observed at significant frequency in large population cohorts (gnomAD); In silico analysis supports that this missense variant has a deleterious effect on protein structure/function; This variant is associated with the following publications: (PMID: 36530930, 35722745, 12707077, 12056940, 18056581, 19624685, 22527033, 30078120, 32888184, 30710491, 32626992, 10408534, 23407676, 11439943, 28717674, 25969684, 24498617, 28900389, 10734061, 33084218, 26814174, 35401678, 37422902, 39825153)

Blueprint Genetics
Classification: Pathogenic for CACNA1A-related disorders. Last evaluated: 2023-10-13. Review status: criteria provided, single submitter. Criteria: ACMG Guidelines, 2015. Collection method: clinical testing. Allele origin: germline. Affected: yes. Observed: 4 variant alleles.

Mayo Clinic Laboratories, Mayo Clinic
Classification: Pathogenic. Last evaluated: 2023-04-19. Review status: criteria provided, single submitter. Criteria: ACMG Guidelines, 2015. Collection method: clinical testing. Allele origin: germline. Observed: 1 variant allele.
Comment: PP1, PP2, PP3, PS3, PS4

Athena Diagnostics
Classification: Pathogenic. Last evaluated: 2023-03-30. Review status: criteria provided, single submitter. Criteria: Athena Diagnostics Criteria. Collection method: clinical testing. Allele origin: unknown.
Comment: The frequency of this variant in the general population is consistent with pathogenicity. This variant has been identified in individuals with familial hemiplegic migraine (FHM) and/or cerebellar ataxia (PMID: 24498617, 17142831, 11439943, 12707077). This variant segregates with disease in multiple families. Assessment of experimental evidence suggests this variant results in abnormal protein function. This variant leads to altered calcium channel function (PMID: 10734061).

Genetics and Molecular Pathology, SA Pathology
Classification: Pathogenic for Spinocerebellar ataxia type 6. Last evaluated: 2022-07-14. Review status: criteria provided, single submitter. Criteria: ACMG Guidelines, 2015. Collection method: clinical testing. Allele origin: germline. Affected: yes.

Wendy Chung Laboratory, Boston Children's Hospital
Classification: Pathogenic for Developmental and epileptic encephalopathy, 52; Episodic ataxia type 2; Migraine, familial hemiplegic, 1; Spinocerebellar ataxia type 6. Last evaluated: 2022-03-20. Review status: criteria provided, single submitter. Criteria: ACMG Guidelines, 2015. Collection method: clinical testing. Allele origin: paternal. Affected: yes.

Revvity Omics, Revvity
Classification: Pathogenic. Last evaluated: 2021-08-16. Review status: criteria provided, single submitter. Criteria: ACMG Guidelines, 2015. Collection method: clinical testing. Allele origin: germline.

Institute of Medical Genetics and Applied Genomics, University Hospital Tübingen
Classification: Pathogenic. Last evaluated: 2020-10-23. Review status: criteria provided, single submitter. Criteria: ACMG Guidelines, 2015. Collection method: clinical testing. Allele origin: germline. Inheritance: Unknown mechanism. Affected: yes.

Genetic Services Laboratory, University of Chicago
Classification: Pathogenic. Last evaluated: 2020-03-26. Review status: criteria provided, single submitter. Criteria: ACMG Guidelines, 2015. Collection method: clinical testing. Allele origin: germline. Affected: yes.

Solve-RD Consortium
Classification: Likely pathogenic for Developmental and epileptic encephalopathy, 42. Last evaluated: 2022-06-01. Review status: no assertion criteria provided. Collection method: provider interpretation. Allele origin: inherited. Affected: yes. Not counted in ClinVar's aggregate classification.
Comment: Variant confirmed as disease-causing by referring clinical team

Variant identified during reanalysis of unsolved cases by the Solve-RD project. The Solve-RD project has received funding from the European Union’s Horizon 2020 research and innovation programme under grant agreement No 779257.

O&I group, Department of Genetics, University Medical Center of Groningen
Classification: Pathogenic for Spinocerebellar ataxia type 6. Last evaluated: 2021-07-22. Review status: no assertion criteria provided. Collection method: research. Allele origin: inherited. Affected: yes. Not counted in ClinVar's aggregate classification.

OMIM
Classification: Pathogenic for MIGRAINE, FAMILIAL HEMIPLEGIC, 1. Last evaluated: 2003-04-01. Review status: no assertion criteria provided. Collection method: literature only. Allele origin: germline. Not counted in ClinVar's aggregate classification.

OMIM
Classification: Pathogenic for MIGRAINE, SPORADIC HEMIPLEGIC. Last evaluated: 2003-04-01. Review status: no assertion criteria provided. Collection method: literature only. Allele origin: germline. Not counted in ClinVar's aggregate classification.

OMIM
Classification: Pathogenic for SPINOCEREBELLAR ATAXIA 6. Last evaluated: 2003-04-01. Review status: no assertion criteria provided. Collection method: literature only. Allele origin: germline. Not counted in ClinVar's aggregate classification.

GeneReviews
No classification provided. Condition: Familial hemiplegic migraine. Review status: no classification provided. Collection method: literature only. Allele origin: germline. Not counted in ClinVar's aggregate classification.

UniProtKB/Swiss-Prot
No classification provided. Condition: Familial hemiplegic migraine type 1. Review status: no classification provided. Collection method: not provided. Allele origin: not provided. Not counted in ClinVar's aggregate classification.

Literature cited by the submitters: PubMed 12707077 (cited by 4 submitters); PubMed 20837964 (cited by Labcorp Genetics (formerly Invitae), Labcorp); PubMed 24498617 (cited by 3 submitters); PubMed 26814174 (cited by 3 submitters); PubMed 10734061 (cited by 3 submitters); PubMed 10408534 (cited by 3 submitters); PubMed 23407676 (cited by Mayo Clinic Laboratories, Mayo Clinic and Athena Diagnostics); PubMed 25969684 (cited by Mayo Clinic Laboratories, Mayo Clinic and Athena Diagnostics); PubMed 28900389 (cited by Mayo Clinic Laboratories, Mayo Clinic and Athena Diagnostics); PubMed 33084218 (cited by Mayo Clinic Laboratories, Mayo Clinic); PubMed 35401678 (cited by Mayo Clinic Laboratories, Mayo Clinic); PubMed 36530930 (cited by Mayo Clinic Laboratories, Mayo Clinic); PubMed 22527033 (cited by Athena Diagnostics); PubMed 18056581 (cited by Athena Diagnostics); PubMed 24486772 (cited by Athena Diagnostics); PubMed 11439943 (cited by Athena Diagnostics and GeneReviews); PubMed 12056940 (cited by Athena Diagnostics and OMIM); PubMed 19624685 (cited by Athena Diagnostics); PubMed 29444203 (cited by Athena Diagnostics); PubMed 27066515 (cited by Athena Diagnostics); PubMed 17142831 (cited by Athena Diagnostics); PubMed 39825153 (cited by Solve-RD Consortium); DOI 10.3389/fgene.2022.782685 (cited by O&I group, Department of Genetics, University Medical Center of Groningen); PubMed 11176968 (cited by OMIM); PubMed 20301562 (cited by GeneReviews).

NM_001127222.2(CACNA1A):c.1745G>A (p.Arg582Gln)

Gene: CACNA1A (calcium voltage-gated channel subunit alpha1 A; minus strand). Cytogenetic location: 19p13.13.
Variant type: single nucleotide variant.
Coding change: c.1745G>A on transcript NM_001127222.2 (MANE Select); coding-DNA position 1745, G replaced by A.
Protein change: p.Arg582Gln; replaces arginine 582 with glutamine.
Molecular consequence: missense variant.
Genome position (GRCh38, 1-based): chr19:13,308,452, C>T on the plus strand (G>A on the coding strand, the complement: CACNA1A is on the minus strand). VCF-style: chr19-13308452-C-T. GRCh37 (hg19) VCF-style: chr19-13419266-C-T.
Other names: c.1748G>A, p.Arg583Gln (NM_000068.4, NM_001127221.2, NM_001174080.2 and 1 more transcripts); c.1748G>A (NM_023035.2); short protein forms R583Q, R582Q.
Identifiers: ClinVar variation 8505 (VCV000008505.54), dbSNP rs121908217, ClinGen allele CA119653.